The following is an entry in ClinVar:

ClinVar aggregate classification (germline): Pathogenic (3 of 4 stars; one submission).

Conditions:
Breast-ovarian cancer, familial, susceptibility to, 2 (BROVCA2). Also called: BRCA2 Hereditary Breast and Ovarian Cancer. Identifiers: Orphanet 145, MedGen C2675520, MONDO:0012933, OMIM 612555. Disease mechanism: loss of function.

Submission:

Evidence-based Network for the Interpretation of Germline Mutant Alleles (ENIGMA)
Classification: Pathogenic for Breast-ovarian cancer, familial, susceptibility to, 2. Last evaluated: 2016-09-08. Review status: reviewed by expert panel. Criteria: ENIGMA BRCA1/2 Classification Criteria (2015). Collection method: curation. Allele origin: germline.
Comment: Variant allele predicted to encode a truncated non-functional protein.

NM_000059.4(BRCA2):c.7285del (p.Glu2429fs)

Gene: BRCA2 (BRCA2 DNA repair associated; plus strand). Cytogenetic location: 13q13.1.
Variant type: Deletion.
Coding change: c.7285del on transcript NM_000059.4 (MANE Select); coding-DNA position 7285, one base deleted (G; older notation c.7285delG).
Protein change: p.Glu2429fs; shifts the reading frame from glutamic acid 2429.
Molecular consequence: frameshift variant.
Genome position (GRCh38, 1-based): chr13:32,355,138, G deleted; the last of 2 consecutive G bases (chr13:32,355,137-32,355,138); deleting either gives the same sequence. VCF-style (leftmost placement, unchanged base first): chr13-32355136-TG-T. GRCh37 (hg19) VCF-style: chr13-32929273-TG-T.
Other names: c.7285delG (NM_000059.3); short protein forms E2429fs.
Identifiers: ClinVar variation 254600 (VCV000254600.4), dbSNP rs886038164, ClinGen allele CA10586571.
Genomic context (GRCh38, chr13:32,355,136, plus strand): 5'-CACCTTTTAAAACTAAATCACATTTTCACAGAGTTGAACAGTGTGTTAGGAATATTAACT[TG>T]GAGGAAAACAGACAAAAGCAAAACATTGATGGACATGGCTCTGATGATAGTAAAAATAAG-3'